The following is an entry in ClinVar:

ClinVar aggregate classification (germline): Likely pathogenic (1 of 4 stars; one submission).

Conditions:
Developmental and epileptic encephalopathy, 44 (DEE44). Also called: Epileptic encephalopathy, early infantile, 44. Identifiers: MedGen C4310700, MONDO:0014933, OMIM 617132.

Submission:

Victorian Clinical Genetics Services, Murdoch Childrens Research Institute
Classification: Likely pathogenic for Developmental and epileptic encephalopathy, 44. Last evaluated: 2021-05-06. Review status: criteria provided, single submitter. Criteria: ACMG Guidelines, 2015. Collection method: clinical testing. Allele origin: germline. Inheritance: Autosomal recessive inheritance. Affected: yes.
Comment: Based on the classification scheme VCGS_Germline_v1.3.4, this variant is classified as Likely pathogenic. Following criteria are met: 0102 - Loss of function is a known mechanism of disease in this gene and is associated with developmental and epileptic encephalopathy 44 (MIM#617132), (MIM#617132). (I) 0106 - This gene is associated with autosomal recessive disease. (I) 0200 - Variant is predicted to result in a missense amino acid change from arginine to glycine. (I) 0251 - This variant is heterozygous. (I) 0301 - Variant is absent from gnomAD (both v2 and v3). (SP) 0501 - Missense variant consistently predicted to be damaging by multiple in silico tools or highly conserved with a major amino acid change. (SP) 0600 - Variant is located in the annotated catalytic domain (PMID: 27545681). (I) 0705 - No comparable missense variants have previous evidence for pathogenicity. (I) 0807 - This variant has no previous evidence of pathogenicity. (I) 0905 - No published segregation evidence has been identified for this variant. (I) 1007 - No published functional evidence has been identified for this variant. (I) 1102 - Strong phenotype match for this individual. (SP) 1201 - Heterozygous variant detected in trans with a second pathogenic heterozygous variant (p.Ala371Thr) in a recessive disease. (I) Legend: (SP) - Supporting pathogenic, (I) - Information, (SB) - Supporting benign

Literature cited by the submitters: PubMed 27545681.

NM_024818.6(UBA5):c.280A>G (p.Arg94Gly)

Genes: NPHP3-ACAD11 (NPHP3-ACAD11 readthrough (NMD candidate); minus strand), UBA5 (ubiquitin like modifier activating enzyme 5; plus strand). Cytogenetic location: 3q22.1.
Variant type: single nucleotide variant.
Coding change: c.280A>G on transcript NM_024818.6 (MANE Select); coding-DNA position 280, A replaced by G.
Protein change: p.Arg94Gly; replaces arginine 94 with glycine.
Molecular consequence: missense variant. On other transcripts: intron variant (2).
Genome position (GRCh38, 1-based): chr3:132,666,056, A>G. VCF-style: chr3-132666056-A-G. GRCh37 (hg19) VCF-style: chr3-132384900-A-G.
Other names: c.112A>G, p.Arg38Gly (NM_001320210.2, NM_198329.4); c.-39-2762A>G (NM_001321239.1); c.28-2762A>G (NM_001321238.2); short protein forms R38G, R94G.
Identifiers: ClinVar variation 2500792 (VCV002500792.2), dbSNP rs2530303960, ClinGen allele CA354572707.